The following is an entry in ClinVar:

ClinVar aggregate classification (germline): Uncertain significance (1 of 4 stars; one submission).

Submission:

Labcorp Genetics (formerly Invitae), Labcorp
Classification: Uncertain significance. Last evaluated: 2023-10-22. Review status: criteria provided, single submitter. Criteria: Invitae Variant Classification Sherloc (09022015). Collection method: clinical testing. Allele origin: germline.
Comment: This sequence change replaces leucine, which is neutral and non-polar, with valine, which is neutral and non-polar, at codon 949 of the LRPPRC protein (p.Leu949Val). This variant is not present in population databases (gnomAD no frequency). This variant has not been reported in the literature in individuals affected with LRPPRC-related conditions. Advanced modeling of protein sequence and biophysical properties (such as structural, functional, and spatial information, amino acid conservation, physicochemical variation, residue mobility, and thermodynamic stability) performed at Invitae indicates that this missense variant is not expected to disrupt LRPPRC protein function. Algorithms developed to predict the effect of sequence changes on RNA splicing suggest that this variant may disrupt the consensus splice site. In summary, the available evidence is currently insufficient to determine the role of this variant in disease. Therefore, it has been classified as a Variant of Uncertain Significance.

NM_133259.4(LRPPRC):c.2845C>G (p.Leu949Val)

Gene: LRPPRC (leucine rich pentatricopeptide repeat containing; minus strand). Cytogenetic location: 2p21.
Variant type: single nucleotide variant.
Coding change: c.2845C>G on transcript NM_133259.4 (MANE Select); coding-DNA position 2845, C replaced by G.
Protein change: p.Leu949Val; replaces leucine 949 with valine.
Molecular consequence: missense variant.
Genome position (GRCh38, 1-based): chr2:43,925,118, G>C on the plus strand (C>G on the coding strand, the complement: LRPPRC is on the minus strand). VCF-style: chr2-43925118-G-C. GRCh37 (hg19) VCF-style: chr2-44152257-G-C.
Other names: short protein forms L949V.
Identifiers: ClinVar variation 2770697 (VCV002770697.3), dbSNP rs757471961, ClinGen allele CA346669810.